The following is an entry in ClinVar:

NM_173076.3(ABCA12):c.6934G>C (p.Gly2312Arg)

Genes: ABCA12 (ATP binding cassette subfamily A member 12; minus strand), SNHG31 (small nucleolar RNA host gene 31; plus strand). Cytogenetic location: 2q35.
Variant type: single nucleotide variant.
Coding change: c.6934G>C on transcript NM_173076.3 (MANE Select); coding-DNA position 6934, G replaced by C.
Protein change: p.Gly2312Arg; replaces glycine 2312 with arginine.
Molecular consequence: missense variant. On other transcripts: non-coding transcript variant (1).
Genome position (GRCh38, 1-based): chr2:214,949,068, C>G on the plus strand (G>C on the coding strand, the complement: ABCA12 is on the minus strand). VCF-style: chr2-214949068-C-G. GRCh37 (hg19) VCF-style: chr2-215813792-C-G.
Other names: c.5980G>C, p.Gly1994Arg (NM_015657.4); short protein forms G1994R, G2312R.
Identifiers: ClinVar variation 2633575 (VCV002633575.1), dbSNP rs2469139570, ClinGen allele CA350794481.

ClinVar aggregate classification (germline): Uncertain significance (1 of 4 stars; one submission).

Conditions:
ABCA12-related disorder. Also called: ABCA12-related condition.

Submission:

PreventionGenetics, part of Exact Sciences
Classification: Uncertain significance for ABCA12-related condition. Last evaluated: 2023-07-26. Review status: criteria provided, single submitter. Criteria: ACMG Guidelines, 2015. Collection method: clinical testing. Allele origin: germline.
Comment: The ABCA12 c.6934G>C variant is predicted to result in the amino acid substitution p.Gly2312Arg. To our knowledge, this variant has not been reported in the literature or in a large population database, indicating this variant is rare. Although we suspect that this variant may be pathogenic, at this time, the clinical significance of this variant is uncertain due to the absence of conclusive functional and genetic evidence.